The following is an entry in ClinVar:

NM_000092.5(COL4A4):c.1460-2A>G

Gene: COL4A4 (collagen type IV alpha 4 chain; minus strand). Cytogenetic location: 2q36.3.
Variant type: single nucleotide variant.
Coding change: c.1460-2A>G on transcript NM_000092.5 (MANE Select); the canonical splice acceptor site of the intron before coding-DNA position 1460, A replaced by G.
Molecular consequence: splice acceptor variant.
Genome position (GRCh38, 1-based): chr2:227,088,818, T>C on the plus strand (A>G on the coding strand, the complement: COL4A4 is on the minus strand). VCF-style: chr2-227088818-T-C. GRCh37 (hg19) VCF-style: chr2-227953534-T-C.
Identifiers: ClinVar variation 4291822 (VCV004291822.1).

ClinVar aggregate classification (germline): Likely pathogenic (1 of 4 stars; one submission).

Conditions:
Autosomal recessive Alport syndrome (ATS2). Also called: Alport syndrome type 2; ALPORT SYNDROME 2, AUTOSOMAL RECESSIVE; COL4A4 Alport Syndrome and Thin Basement Membrane Nephropathy; COL4A3-Related Nephropathy. Identifiers: Orphanet 63, Orphanet 88919, MedGen C4746745, MONDO:0008762, OMIM 203780.

Submission:

3billion
Classification: Likely pathogenic for Autosomal recessive Alport syndrome. Last evaluated: 2024-11-14. Review status: criteria provided, single submitter. Criteria: ACMG Guidelines, 2015. Collection method: clinical testing. Allele origin: germline. Affected: yes.
Comment: The variant is not observed in the gnomAD v4.1.0 dataset. Predicted Consequence/Location: Canonical splice site: predicted to alter splicing and result in a loss or disruption of normal protein function. Multiple pathogenic loss-of-function variants are reported downstream of the variant. In silico tools predict the variant to alter splicing and produce an abnormal transcript [SpliceAI: 0.92 (spliceogenicity >=0.2, non-spliceogenicity <0.1)]. Therefore, this variant is classified as Likely pathogenic according to the recommendation of ACMG/AMP guideline.